The following is an entry in ClinVar:

NM_006302.3(MOGS):c.947A>T (p.Gln316Leu)

Gene: MOGS (mannosyl-oligosaccharide glucosidase; minus strand). Cytogenetic location: 2p13.1.
Variant type: single nucleotide variant.
Coding change: c.947A>T on transcript NM_006302.3 (MANE Select); coding-DNA position 947, A replaced by T.
Protein change: p.Gln316Leu; replaces glutamine 316 with leucine.
Molecular consequence: missense variant.
Genome position (GRCh38, 1-based): chr2:74,462,842, T>A on the plus strand (A>T on the coding strand, the complement: MOGS is on the minus strand). VCF-style: chr2-74462842-T-A. GRCh37 (hg19) VCF-style: chr2-74689969-T-A.
Other names: c.629A>T, p.Gln210Leu (NM_001146158.2); c.947A>T, p.Gln316Leu (LRG_1226t1); short protein forms Q316L, Q210L.
Identifiers: ClinVar variation 465845 (VCV000465845.11), dbSNP rs1553379896, ClinGen allele CA347378412.

ClinVar aggregate classification (germline): Uncertain significance (1 of 4 stars; one submission).

Conditions:
MOGS-congenital disorder of glycosylation. Also called: CDG IIb; GLUCOSIDASE I DEFICIENCY; CDG 2B; MOGS-CDG. Identifiers: Orphanet 79330, MedGen C1853736, MONDO:0011629, OMIM 606056.

Allele frequency attached by ClinVar (database versions not stated): TOPMed below 0.00001.

Submission:

Labcorp Genetics (formerly Invitae), Labcorp
Classification: Uncertain significance for MOGS-congenital disorder of glycosylation. Last evaluated: 2019-03-13. Review status: criteria provided, single submitter. Criteria: Invitae Variant Classification Sherloc (09022015). Collection method: clinical testing. Allele origin: germline.
Comment: In summary, this variant is a novel missense change with uncertain impact on protein function. It has been classified as a Variant of Uncertain Significance. Algorithms developed to predict the effect of missense changes on protein structure and function do not agree on the potential impact of this missense change (SIFT: "Tolerated"; PolyPhen-2: "Benign"; Align-GVGD: "Class C0"). This variant is not present in population databases (ExAC no frequency) and has not been reported in the literature in individuals with a MOGS-related disease. This sequence change replaces glutamine with leucine at codon 316 of the MOGS protein (p.Gln316Leu). The glutamine residue is moderately conserved and there is a moderate physicochemical difference between glutamine and leucine.